The following is an entry in ClinVar:

ClinVar aggregate classification (germline): Uncertain significance. Review status: criteria provided, multiple submitters, no conflicts (2 of 4 stars). 2 submissions from 2 submitters: Uncertain significance (2). Last evaluated 2025-10-22.

Allele frequency attached by ClinVar (database versions not stated): gnomAD 0.00002; TOPMed 0.00002.

Submissions (2):

Labcorp Genetics (formerly Invitae), Labcorp
Classification: Uncertain significance. Last evaluated: 2025-10-22. Review status: criteria provided, single submitter. Criteria: Invitae Variant Classification Sherloc (09022015). Collection method: clinical testing. Allele origin: germline.
Comment: This sequence change replaces arginine, which is basic and polar, with cysteine, which is neutral and slightly polar, at codon 14 of the ROM1 protein (p.Arg14Cys). This variant is present in population databases (no rsID available, gnomAD 0.007%). This variant has not been reported in the literature in individuals affected with ROM1-related conditions. ClinVar contains an entry for this variant (Variation ID: 2040745). Invitae Evidence Modeling of protein sequence and biophysical properties (such as structural, functional, and spatial information, amino acid conservation, physicochemical variation, residue mobility, and thermodynamic stability) indicates that this missense variant is not expected to disrupt ROM1 protein function with a negative predictive value of 80%. In summary, the available evidence is currently insufficient to determine the role of this variant in disease. Therefore, it has been classified as a Variant of Uncertain Significance.

Ambry Genetics
Classification: Uncertain significance. Last evaluated: 2024-04-23. Review status: criteria provided, single submitter. Criteria: Ambry Variant Classification Scheme 2023. Collection method: clinical testing. Allele origin: germline.

NM_000327.4(ROM1):c.40C>T (p.Arg14Cys)

Gene: ROM1 (retinal outer segment membrane protein 1; plus strand). Cytogenetic location: 11q12.3.
Variant type: single nucleotide variant.
Coding change: c.40C>T on transcript NM_000327.4 (MANE Select); coding-DNA position 40, C replaced by T.
Protein change: p.Arg14Cys; replaces arginine 14 with cysteine.
Molecular consequence: missense variant.
Genome position (GRCh38, 1-based): chr11:62,613,321, C>T. VCF-style: chr11-62613321-C-T. GRCh37 (hg19) VCF-style: chr11-62380793-C-T.
Other names: c.40C>T (NM_000327.3); short protein forms R14C.
Identifiers: ClinVar variation 2040745 (VCV002040745.5), dbSNP rs1036218993, ClinGen allele CA223034000.